The following is an entry in ClinVar:

ClinVar aggregate classification (germline): Conflicting classifications of pathogenicity. Review status: criteria provided, conflicting classifications (1 of 4 stars). 8 submissions from 8 submitters: Uncertain significance (1); Benign (1); Likely benign (3). 3 of the submissions do not count toward it. Last evaluated 2019-12-31.

Conditions:
ACSL4-related disorder. Also called: ACSL4-related condition.
Inborn genetic diseases. Identifiers: MedGen C0950123, MeSH D030342.

Allele frequency attached by ClinVar (database versions not stated): ESP Exome Variant Server 0.00028; gnomAD 0.00046 and 0.00047; gnomAD exomes 0.00046; ExAC 0.00050; TOPMed 0.00054.

Submissions (8):

Labcorp Genetics (formerly Invitae), Labcorp
Classification: Benign. Last evaluated: 2019-12-31. Review status: criteria provided, single submitter. Criteria: Invitae Variant Classification Sherloc (09022015). Collection method: clinical testing. Allele origin: germline.

CeGaT Center for Human Genetics Tuebingen
Classification: Uncertain significance. Last evaluated: 2017-09-01. Review status: criteria provided, single submitter. Criteria: CeGaT Center For Human Genetics Tuebingen Variant Classification Criteria Version 2. Collection method: clinical testing. Allele origin: germline. Affected: yes. Observed: 1 variant allele.

Ambry Genetics
Classification: Likely benign for Inborn genetic diseases. Last evaluated: 2017-05-03. Review status: criteria provided, single submitter. Criteria: Ambry Variant Classification Scheme 2023. Collection method: clinical testing. Allele origin: germline.

Center for Pediatric Genomic Medicine, Children's Mercy Hospital and Clinics
Classification: Likely benign. Last evaluated: 2016-11-07. Review status: criteria provided, single submitter. Criteria: ACMG Guidelines, 2015. Collection method: clinical testing. Allele origin: germline.
ClinVar note: Converted during submission from Likely Benign to Likely benign.

Eurofins Ntd Llc (ga)
Classification: Likely benign. Last evaluated: 2015-04-28. Review status: criteria provided, single submitter. Criteria: EGL Classification Definitions 2015. Collection method: clinical testing. Allele origin: germline. Observed: 1 variant allele, 1 hemizygote.

PreventionGenetics, part of Exact Sciences
Classification: Likely benign for ACSL4-related condition. Last evaluated: 2021-06-10. Review status: no assertion criteria provided. Collection method: clinical testing. Allele origin: germline. Not counted in ClinVar's aggregate classification.
Comment: This variant is classified as likely benign based on ACMG/AMP sequence variant interpretation guidelines (Richards et al. 2015 PMID: 25741868, with internal and published modifications).

Clinical Genetics DNA and cytogenetics Diagnostics Lab, Erasmus MC, Erasmus Medical Center
Classification: Benign. Review status: no assertion criteria provided. Collection method: clinical testing. Allele origin: germline. Affected: yes. Study: VKGL Data-share Consensus. Not counted in ClinVar's aggregate classification.

Laboratory of Diagnostic Genome Analysis, Leiden University Medical Center (LUMC)
Classification: Likely benign. Review status: no assertion criteria provided. Collection method: clinical testing. Allele origin: germline. Affected: yes. Study: VKGL Data-share Consensus. Not counted in ClinVar's aggregate classification.

NM_001318510.2(ACSL4):c.1325A>G (p.Tyr442Cys)

Gene: ACSL4 (acyl-CoA synthetase long chain family member 4; minus strand). Cytogenetic location: Xq23.
Variant type: single nucleotide variant.
Coding change: c.1325A>G on transcript NM_001318510.2 (MANE Select); coding-DNA position 1325, A replaced by G.
Protein change: p.Tyr442Cys; replaces tyrosine 442 with cysteine.
Molecular consequence: missense variant.
Genome position (GRCh38, 1-based): chrX:109,665,485, T>C on the plus strand (A>G on the coding strand, the complement: ACSL4 is on the minus strand). VCF-style: chrX-109665485-T-C. GRCh37 (hg19) VCF-style: chrX-108908714-T-C.
Other names: c.1448A>G, p.Tyr483Cys (NM_001318509.2, NM_022977.3); c.1325A>G, p.Tyr442Cys (NM_004458.3); c.1448A>G (NM_022977.2); short protein forms Y483C, Y442C.
Identifiers: ClinVar variation 194058 (VCV000194058.57), dbSNP rs200451158, ClinGen allele CA200941.